The following is an entry in ClinVar:

ClinVar aggregate classification (germline): Pathogenic. Review status: criteria provided, multiple submitters, no conflicts (2 of 4 stars). 2 submissions from 2 submitters: Pathogenic (2). Last evaluated 2023-07-26.

Conditions:
X-linked agammaglobulinemia (XLA). Also called: Agammaglobulinemia, Bruton tyrosine kinase; Agammaglobulinemia, BTK; BTK-deficiency; Bruton-type agammaglobulinemia; IMMUNODEFICIENCY 1; Bruton's agammaglobulinemia. Identifiers: Orphanet 229717, Orphanet 47, MedGen C0221026, MONDO:0010421, OMIM 300755.
X-linked agammaglobulinemia with growth hormone deficiency (IGHD3). Also called: AGAMMAGLOBULINEMIA AND ISOLATED GROWTH HORMONE DEFICIENCY, X-LINKED; Isolated growth hormone deficiency type 3; Growth hormone deficiency with hypogammaglobulinemia; ISOLATED GROWTH HORMONE DEFICIENCY, TYPE III, WITH AGAMMAGLOBULINEMIA; FLEISHER SYNDROME; HYPOGAMMAGLOBULINEMIA AND ISOLATED GROWTH HORMONE DEFICIENCY, X-LINKED. Identifiers: Orphanet 231692, Orphanet 631, MedGen C0472813, MONDO:0010615, OMIM 307200.

Submissions (2):

Department of Human Genetics, Hannover Medical School
Classification: Pathogenic for X-linked agammaglobulinemia. Last evaluated: 2023-07-26. Review status: criteria provided, single submitter. Criteria: ACMG Guidelines, 2015. Collection method: clinical testing. Allele origin: germline. Inheritance: X-linked inheritance. Affected: yes.

Labcorp Genetics (formerly Invitae), Labcorp
Classification: Pathogenic for X-linked agammaglobulinemia with growth hormone deficiency. Last evaluated: 2018-08-15. Review status: criteria provided, single submitter. Criteria: Invitae Variant Classification Sherloc (09022015). Collection method: clinical testing. Allele origin: germline.
Comment: This sequence change creates a premature translational stop signal (p.Trp252*) in the BTK gene. It is expected to result in an absent or disrupted protein product. This variant is not present in population databases (ExAC no frequency). This variant has been observed in an individual affected withÂ¬â€ X-Linked Agammaglobulinemia (XLA)Â¬â€ (PMID:Â¬â€ 9445504). Loss-of-function variants in BTK are known to be pathogenic (PMID: 15661032, 16862044, 19419768). For these reasons, this variant has been classified as Pathogenic.

NM_000061.3(BTK):c.756G>A (p.Trp252Ter)

Gene: BTK (Bruton tyrosine kinase; minus strand). Cytogenetic location: Xq22.1.
Variant type: single nucleotide variant.
Coding change: c.756G>A on transcript NM_000061.3 (MANE Select); coding-DNA position 756, G replaced by A.
Protein change: p.Trp252Ter; replaces tryptophan 252 with a stop codon.
Molecular consequence: nonsense.
Genome position (GRCh38, 1-based): chrX:101,360,588, C>T on the plus strand (G>A on the coding strand, the complement: BTK is on the minus strand). VCF-style: chrX-101360588-C-T. GRCh37 (hg19) VCF-style: chrX-100615576-C-T.
Other names: c.858G>A, p.Trp286Ter (NM_001287344.2); c.756G>A, p.Trp252Ter (NM_001287345.2); short protein forms W252*, W286*.
Identifiers: ClinVar variation 645498 (VCV000645498.2), dbSNP rs1603008349, ClinGen allele CA413931608.